The following is an entry in ClinVar:

NC_000019.9:g.(?_51727962)_(51890697_?)del

Genes: CD33 (CD33 molecule; plus strand), CLDND2 (claudin domain containing 2; minus strand), ETFB (electron transfer flavoprotein subunit beta; minus strand), IGLON5 (IgLON family member 5; plus strand), LIM2 (lens intrinsic membrane protein 2; minus strand) and 3 more. Cytogenetic location: 19q13.41.
Variant type: Deletion.
Identifiers: ClinVar variation 2424337 (VCV002424337.5).

ClinVar aggregate classification (germline): Pathogenic (1 of 4 stars; one submission).

Conditions:
Multiple acyl-CoA dehydrogenase deficiency (MADD). Also called: Glutaric aciduria, type 2; ETHYLMALONIC-ADIPICACIDURIA; GA II; Glutaric Acidemia type 2; Glutaric acidemia type II; GA 2. Identifiers: Orphanet 26791, MedGen C0268596, MONDO:0009282, OMIM 231680.

Submission:

Labcorp Genetics (formerly Invitae), Labcorp
Classification: Pathogenic for Multiple acyl-CoA dehydrogenase deficiency. Last evaluated: 2022-09-04. Review status: criteria provided, single submitter. Criteria: Invitae Variant Classification Sherloc (09022015). Collection method: clinical testing. Allele origin: germline.
Comment: For these reasons, this variant has been classified as Pathogenic. This variant has not been reported in the literature in individuals affected with ETFB-related conditions. A gross deletion of the genomic region encompassing the full coding sequence of the ETFB gene has been identified. Loss-of-function variants in ETFB are known to be pathogenic (PMID: 16510302, 23785301). The boundaries of this event are unknown as they extend beyond the assayed region for this gene and therefore may encompass additional genes.

Literature cited by the submitters: PubMed 16510302; PubMed 23785301.